The following is an entry in ClinVar:

NM_000631.5(NCF4):c.361G>A (p.Val121Ile)

Genes: NCF4-AS1 (NCF4 antisense RNA 1; minus strand), NCF4 (neutrophil cytosolic factor 4; plus strand). Cytogenetic location: 22q12.3.
Variant type: single nucleotide variant.
Coding change: c.361G>A on transcript NM_000631.5 (MANE Select); coding-DNA position 361, G replaced by A.
Protein change: p.Val121Ile; replaces valine 121 with isoleucine.
Molecular consequence: missense variant. On other transcripts: non-coding transcript variant (1).
Genome position (GRCh38, 1-based): chr22:36,870,433, G>A. VCF-style: chr22-36870433-G-A. GRCh37 (hg19) VCF-style: chr22-37266475-G-A.
Other names: c.361G>A, p.Val121Ile (NM_013416.4); short protein forms V121I.
Identifiers: ClinVar variation 1517058 (VCV001517058.5), dbSNP rs759148798, ClinGen allele CA10212976.

ClinVar aggregate classification (germline): Uncertain significance (1 of 4 stars; one submission).

Conditions:
Granulomatous disease, chronic, autosomal recessive, cytochrome b-positive, type 3. Also called: GRANULOMATOUS DISEASE, CHRONIC, DUE TO NCF4 DEFICIENCY; Granulomatous disease, chronic, autosomal recessive, cytochrome b-positive, type III; GRANULOMATOUS DISEASE, CHRONIC, AUTOSOMAL RECESSIVE, 3; CGD, AUTOSOMAL RECESSIVE CYTOCHROME b-POSITIVE, TYPE III. Identifiers: Orphanet 379, MedGen C3151409, MONDO:0013507, OMIM 613960.

Allele frequency attached by ClinVar (database versions not stated): TOPMed below 0.00001; gnomAD 0.00001; gnomAD exomes 0.00002.
gnomAD v4.1: 38 of 1,613,888 alleles (0.0024%); highest among the groups gnomAD compares: Non-Finnish European, 0.0021%; no homozygotes.

Submission:

Labcorp Genetics (formerly Invitae), Labcorp
Classification: Uncertain significance for Granulomatous disease, chronic, autosomal recessive, cytochrome b-positive, type 3. Last evaluated: 2021-08-26. Review status: criteria provided, single submitter. Criteria: Invitae Variant Classification Sherloc (09022015). Collection method: clinical testing. Allele origin: germline.
Comment: This sequence change replaces valine with isoleucine at codon 121 of the NCF4 protein (p.Val121Ile). The valine residue is moderately conserved and there is a small physicochemical difference between valine and isoleucine. The frequency data for this variant in the population databases is considered unreliable, as metrics indicate poor data quality at this position in the ExAC database. This variant has not been reported in the literature in individuals affected with NCF4-related conditions. Algorithms developed to predict the effect of missense changes on protein structure and function output the following: SIFT: "Tolerated"; PolyPhen-2: "Benign"; Align-GVGD: "Class C0". The isoleucine amino acid residue is found in multiple mammalian species, which suggests that this missense change does not adversely affect protein function. In summary, the available evidence is currently insufficient to determine the role of this variant in disease. Therefore, it has been classified as a Variant of Uncertain Significance.